The following is an entry in ClinVar:

ClinVar aggregate classification (germline): Uncertain significance (1 of 4 stars; one submission).

Conditions:
Immunodeficiency 23 (IMD23). Also called: IMMUNODEFICIENCY WITH HYPER IgE AND COGNITIVE IMPAIRMENT; IMMUNODEFICIENCY-VASCULITIS-MYOCLONUS SYNDROME. Identifiers: Orphanet 443811, MedGen C4014371, MONDO:0014353, OMIM 615816.

Allele frequency attached by ClinVar (database versions not stated): gnomAD 0.00001; ExAC 0.00002; gnomAD exomes 0.00002; TOPMed 0.00002.
gnomAD v4.1: 35 of 1,613,902 alleles (0.0022%); highest among the groups gnomAD compares: Admixed American, 0.0083%; no homozygotes.

Submission:

Labcorp Genetics (formerly Invitae), Labcorp
Classification: Uncertain significance for Immunodeficiency 23. Last evaluated: 2022-05-31. Review status: criteria provided, single submitter. Criteria: Invitae Variant Classification Sherloc (09022015). Collection method: clinical testing. Allele origin: germline.
Comment: This sequence change replaces serine, which is neutral and polar, with cysteine, which is neutral and slightly polar, at codon 216 of the PGM3 protein (p.Ser216Cys). This variant is present in population databases (rs757821755, gnomAD 0.006%). This variant has not been reported in the literature in individuals affected with PGM3-related conditions. Algorithms developed to predict the effect of missense changes on protein structure and function (SIFT, PolyPhen-2, Align-GVGD) all suggest that this variant is likely to be tolerated. Algorithms developed to predict the effect of sequence changes on RNA splicing suggest that this variant may create or strengthen a splice site. In summary, the available evidence is currently insufficient to determine the role of this variant in disease. Therefore, it has been classified as a Variant of Uncertain Significance.

NM_015599.3(PGM3):c.563C>G (p.Ser188Cys)

Gene: PGM3 (phosphoglucomutase 3; minus strand). Cytogenetic location: 6q14.1.
Variant type: single nucleotide variant.
Coding change: c.563C>G on transcript NM_015599.3 (MANE Select); coding-DNA position 563, C replaced by G.
Protein change: p.Ser188Cys; replaces serine 188 with cysteine.
Molecular consequence: missense variant. On other transcripts: non-coding transcript variant (1).
Genome position (GRCh38, 1-based): chr6:83,182,873, G>C on the plus strand (C>G on the coding strand, the complement: PGM3 is on the minus strand). VCF-style: chr6-83182873-G-C. GRCh37 (hg19) VCF-style: chr6-83892592-G-C.
Other names: c.647C>G, p.Ser216Cys (NM_001199917.2, NM_001367287.1); c.320C>G, p.Ser107Cys (NM_001199918.2); c.563C>G, p.Ser188Cys (NM_001199919.2, NM_001367286.1); short protein forms S107C, S188C, S216C.
Identifiers: ClinVar variation 2052131 (VCV002052131.1), dbSNP rs757821755, ClinGen allele CA3906724.